The following is an entry in ClinVar:

ClinVar aggregate classification (germline): Uncertain significance (1 of 4 stars; one submission).

Conditions:
Hereditary cancer-predisposing syndrome. Also called: Neoplastic Syndromes, Hereditary; Tumor predisposition; Hereditary Cancer Syndrome; Hereditary neoplastic syndrome. Identifiers: Orphanet 140162, MedGen C0027672, MeSH D009386, MONDO:0015356.

Submission:

Ambry Genetics
Classification: Uncertain significance for Hereditary cancer-predisposing syndrome. Last evaluated: 2025-01-24. Review status: criteria provided, single submitter. Criteria: Ambry Variant Classification Scheme 2023. Collection method: clinical testing. Allele origin: germline.
Comment: The p.H1349P variant (also known as c.4046A>C), located in coding exon 15 of the APC gene, results from an A to C substitution at nucleotide position 4046. The histidine at codon 1349 is replaced by proline, an amino acid with similar properties. This amino acid position is conserved. In addition, in silico predictors for this gene do not accurately predict pathogenicity. Missense alterations in APC are not a common cause of disease (Spier I et al. Genet Med. 2024 Feb;26(2):100992). Based on the available evidence, the clinical significance of this variant remains unclear.

NM_000038.6(APC):c.4046A>C (p.His1349Pro)

Gene: APC (APC regulator of Wnt signaling pathway; plus strand). Cytogenetic location: 5q22.2.
Variant type: single nucleotide variant.
Coding change: c.4046A>C on transcript NM_000038.6 (MANE Select); coding-DNA position 4046, A replaced by C.
Protein change: p.His1349Pro; replaces histidine 1349 with proline.
Molecular consequence: missense variant.
Genome position (GRCh38, 1-based): chr5:112,839,640, A>C. VCF-style: chr5-112839640-A-C. GRCh37 (hg19) VCF-style: chr5-112175337-A-C.
Other names: c.4046A>C, p.His1349Pro (NM_001127510.3, NM_001354895.2, NM_001407450.1); c.3992A>C, p.His1331Pro (NM_001127511.3); c.4100A>C, p.His1367Pro (NM_001354896.2, NM_001407447.1, NM_001407448.1 and 1 more transcripts); c.4076A>C, p.His1359Pro (NM_001354897.2); c.3971A>C, p.His1324Pro (NM_001354898.2); c.3962A>C, p.His1321Pro (NM_001354899.2); c.3923A>C, p.His1308Pro (NM_001354900.2); c.3869A>C, p.His1290Pro (NM_001354901.2, NM_001407453.1); and 11 more; short protein forms H1223P, H1258P, H1290P, H1321P, H1324P, H1342P, H1248P, H1266P.
Identifiers: ClinVar variation 1737319 (VCV001737319.3), dbSNP rs748872251, ClinGen allele CA16030198.
Genomic context (GRCh38, chr5:112,839,640, plus strand): 5'-ACCCTAGAACCAAATCCAGCAGACTGCAGGGTTCTAGTTTATCTTCAGAATCAGCCAGGC[A>C]CAAAGCTGTTGAATTTTCTTCAGGAGCGAAATCTCCCTCCAAAAGTGGTGCTCAGACACC-3'
Protein context (NP_000029.2, residues 1339-1359): GSSLSSESAR[His1349Pro]KAVEFSSGAK